The following is an entry in ClinVar:

NM_006734.4(HIVEP2):c.5272G>A (p.Asp1758Asn)

Gene: HIVEP2 (HIVEP zinc finger 2; minus strand). Cytogenetic location: 6q24.2.
Variant type: single nucleotide variant.
Coding change: c.5272G>A on transcript NM_006734.4 (MANE Select); coding-DNA position 5272, G replaced by A.
Protein change: p.Asp1758Asn; replaces aspartic acid 1758 with asparagine.
Molecular consequence: missense variant.
Genome position (GRCh38, 1-based): chr6:142,768,452, C>T on the plus strand (G>A on the coding strand, the complement: HIVEP2 is on the minus strand). VCF-style: chr6-142768452-C-T. GRCh37 (hg19) VCF-style: chr6-143089589-C-T.
Other names: short protein forms D1758N.
Identifiers: ClinVar variation 2898710 (VCV002898710.5), dbSNP rs748356493, ClinGen allele CA4027920.

ClinVar aggregate classification (germline): Likely benign. Review status: criteria provided, multiple submitters, no conflicts (2 of 4 stars). 2 submissions from 2 submitters: Likely benign (2). Last evaluated 2025-02-12.

Allele frequency attached by ClinVar (database versions not stated): gnomAD 0.00001; gnomAD exomes 0.00003; ExAC 0.00002; TOPMed 0.00002.
gnomAD v4.1: 44 of 1,613,004 alleles (0.0027%); highest among the groups gnomAD compares: Non-Finnish European, 0.0036%; no homozygotes.

Submissions (2):

Labcorp Genetics (formerly Invitae), Labcorp
Classification: Likely benign. Last evaluated: 2025-02-12. Review status: criteria provided, single submitter. Criteria: Invitae Variant Classification Sherloc (09022015). Collection method: clinical testing. Allele origin: germline.

Women's Health and Genetics/Laboratory Corporation of America, LabCorp
Classification: Likely benign. Last evaluated: 2024-12-04. Review status: criteria provided, single submitter. Criteria: LabCorp Variant Classification Summary - May 2015. Collection method: clinical testing. Allele origin: germline.
Comment: Variant summary: HIVEP2 c.5272G>A (p.Asp1758Asn) results in a conservative amino acid change in the encoded protein sequence. Four of five in-silico tools predict a benign effect of the variant on protein function. The variant allele was found at a frequency of 2.7e-05 in 1606012 control chromosomes, predominantly at a frequency of 3.6e-05 within the Non-Finnish European subpopulation in the gnomAD database. The occurrence in several carriers suggests that the variant is not causal for a dominant, high penetrance, early onset disease phenotype. To our knowledge, no occurrence of c.5272G>A in individuals affected with Intellectual Disability, Autosomal Dominant 43 and no experimental evidence demonstrating its impact on protein function have been reported. ClinVar contains an entry for this variant (Variation ID: 2898710). Based on the evidence outlined above, the variant was classified as likely benign.